The following is an entry in ClinVar:

NM_014727.3(KMT2B):c.1201C>T (p.Leu401=)

Gene: KMT2B (lysine methyltransferase 2B; plus strand). Cytogenetic location: 19q13.12.
Variant type: single nucleotide variant.
Coding change: c.1201C>T on transcript NM_014727.3 (MANE Select); coding-DNA position 1201, C replaced by T.
Protein change: p.Leu401=; no amino-acid change (leucine 401 retained).
Molecular consequence: synonymous variant.
Genome position (GRCh38, 1-based): chr19:35,720,548, C>T. VCF-style: chr19-35720548-C-T. GRCh37 (hg19) VCF-style: chr19-36211450-C-T.
Identifiers: ClinVar variation 2649732 (VCV002649732.24), dbSNP rs907225192, ClinGen allele CA507305501.

ClinVar aggregate classification (germline): Likely benign (1 of 4 stars; one submission).

gnomAD v4.1: 2 of 1,545,896 alleles (0.00013%); highest among the groups gnomAD compares: African/African-American, 0.0014%; no homozygotes.

Submission:

CeGaT Center for Human Genetics Tuebingen
Classification: Likely benign. Last evaluated: 2023-09-01. Review status: criteria provided, single submitter. Criteria: CeGaT Center For Human Genetics Tuebingen Variant Classification Criteria Version 2. Collection method: clinical testing. Allele origin: germline. Affected: yes. Observed: 1 variant allele.
Comment: KMT2B: BP4, BP7